The following is an entry in ClinVar:

NC_000006.11:g.(?_73713611)_(73713741_?)dup

Gene: KCNQ5 (potassium voltage-gated channel subfamily Q member 5; plus strand). Cytogenetic location: 6q13.
Variant type: Duplication.
Identifiers: ClinVar variation 2423892 (VCV002423892.3).

ClinVar aggregate classification (germline): Uncertain significance (1 of 4 stars; one submission).

Submission:

Labcorp Genetics (formerly Invitae), Labcorp
Classification: Uncertain significance. Last evaluated: 2021-12-23. Review status: criteria provided, single submitter. Criteria: Invitae Variant Classification Sherloc (09022015). Collection method: clinical testing. Allele origin: germline.
Comment: This variant has not been reported in the literature in individuals affected with KCNQ5-related conditions. This variant results in a copy number gain of the genomic region encompassing exon(s) 2 of the KCNQ5 gene. While the exact position of this variant cannot be determined from the data, sub-genic copy number gains are generally in tandem (PMID: 25640679). This variant is predicted to be out-of-frame, and may result in an absent or disrupted protein product. However, the current clinical and genetic evidence is not sufficient to establish whether loss-of-function variants in KCNQ5 cause disease. In summary, the available evidence is currently insufficient to determine the role of this variant in disease. Therefore, it has been classified as a Variant of Uncertain Significance.

Literature cited by the submitters: PubMed 25640679.